The following is an entry in ClinVar:

NM_016955.4(SEPSECS):c.10dup (p.Glu4fs)

Gene: SEPSECS (Sep (O-phosphoserine) tRNA:Sec (selenocysteine) tRNA synthase; minus strand). Cytogenetic location: 4p15.2.
Variant type: Duplication.
Coding change: c.10dup on transcript NM_016955.4 (MANE Select); coding-DNA position 10, one base duplicated (G; older notation c.10dupG).
Protein change: p.Glu4fs; shifts the reading frame from glutamic acid 4.
Molecular consequence: frameshift variant.
Genome position (GRCh38, 1-based): chr4:25,160,360, C duplicated on the plus strand (G on the coding strand, the reverse complement: SEPSECS is on the minus strand). VCF-style (leftmost placement, unchanged base first): chr4-25160359-T-TC. GRCh37 (hg19) VCF-style: chr4-25161981-T-TC.
Other names: c.10dup, p.Glu4fs (NM_001410714.1); short protein forms E4fs.
Identifiers: ClinVar variation 4815887 (VCV004815887.1).

ClinVar aggregate classification (germline): Likely pathogenic (1 of 4 stars; one submission).

Conditions:
Pontocerebellar hypoplasia type 2D (PCH2D). Also called: Progressive cerebello-cerebral atrophy. Identifiers: Orphanet 247198, Orphanet 2524, MedGen C3151140, MONDO:0013438, OMIM 613811.

Submission:

Natera, Inc.
Classification: Likely pathogenic for Pontocerebellar hypoplasia type 2d. Last evaluated: 2024-12-09. Review status: criteria provided, single submitter. Criteria: Natera Variant Classification Schema (03/2026). Collection method: clinical testing. Allele origin: germline.
Comment: The c.10dup variant in SEPSECS is a frameshift variant predicted to shift the reading frame beginning at codon 4 and leads to a stop codon 20 codons downstream. This variant is expected to result in nonsense mediated decay, truncation, or a dysfunctional protein product. This variant is rare in the general population with a frequency below the threshold expected for the associated phenotype(s). Given the available evidence, this variant is classified as Likely Pathogenic.